The following is an entry in ClinVar:

ClinVar aggregate classification (germline): Uncertain significance (1 of 4 stars; one submission).

Submission:

Labcorp Genetics (formerly Invitae), Labcorp
Classification: Uncertain significance. Last evaluated: 2022-04-24. Review status: criteria provided, single submitter. Criteria: Invitae Variant Classification Sherloc (09022015). Collection method: clinical testing. Allele origin: germline.
Comment: This variant is not present in population databases (gnomAD no frequency). This sequence change replaces leucine, which is neutral and non-polar, with phenylalanine, which is neutral and non-polar, at codon 1294 of the CEP250 protein (p.Leu1294Phe). This variant has not been reported in the literature in individuals affected with CEP250-related conditions. Algorithms developed to predict the effect of missense changes on protein structure and function are either unavailable or do not agree on the potential impact of this missense change (SIFT: "Not Available"; PolyPhen-2: "Probably Damaging"; Align-GVGD: "Not Available"). In summary, the available evidence is currently insufficient to determine the role of this variant in disease. Therefore, it has been classified as a Variant of Uncertain Significance.

NM_007186.6(CEP250):c.3880C>T (p.Leu1294Phe)

Gene: CEP250 (centrosomal protein 250; plus strand). Cytogenetic location: 20q11.22.
Variant type: single nucleotide variant.
Coding change: c.3880C>T on transcript NM_007186.6 (MANE Select); coding-DNA position 3880, C replaced by T.
Protein change: p.Leu1294Phe; replaces leucine 1294 with phenylalanine.
Molecular consequence: missense variant.
Genome position (GRCh38, 1-based): chr20:35,500,151, C>T. VCF-style: chr20-35500151-C-T. GRCh37 (hg19) VCF-style: chr20-34087980-C-T.
Other names: c.1984C>T, p.Leu662Phe (NM_001318219.1); short protein forms L662F, L1294F.
Identifiers: ClinVar variation 1929346 (VCV001929346.5), dbSNP rs1230143919, ClinGen allele CA408746332.